The following is an entry in ClinVar:

NM_012452.3(TNFRSF13B):c.840del (p.Ile281fs)

Gene: TNFRSF13B (TNF receptor superfamily member 13B; minus strand). Cytogenetic location: 17p11.2.
Variant type: Deletion.
Coding change: c.840del on transcript NM_012452.3 (MANE Select); coding-DNA position 840, one base deleted (C; older notation c.840delC).
Protein change: p.Ile281fs; shifts the reading frame from isoleucine 281.
Molecular consequence: frameshift variant.
Genome position (GRCh38, 1-based): chr17:16,939,589, G deleted on the plus strand (C on the coding strand, the reverse complement: TNFRSF13B is on the minus strand). VCF-style (leftmost placement, unchanged base first): chr17-16939588-TG-T. GRCh37 (hg19) VCF-style: chr17-16842902-TG-T.
Other names: short protein forms I281fs.
Identifiers: ClinVar variation 2148657 (VCV002148657.4), dbSNP rs1567649420, ClinGen allele CA625313722.

ClinVar aggregate classification (germline): Uncertain significance (1 of 4 stars; one submission).

Conditions:
Immunodeficiency, common variable, 2 (CVID2). Also called: HYPOGAMMAGLOBULINEMIA DUE TO TACI DEFICIENCY; ANTIBODY DEFICIENCY DUE TO TACI DEFECT. Identifiers: Orphanet 1572, MedGen C3150354, MONDO:0009413, OMIM 240500.

Submission:

Labcorp Genetics (formerly Invitae), Labcorp
Classification: Uncertain significance for Immunodeficiency, common variable, 2. Last evaluated: 2023-08-15. Review status: criteria provided, single submitter. Criteria: Invitae Variant Classification Sherloc (09022015). Collection method: clinical testing. Allele origin: germline.
Comment: In summary, the available evidence is currently insufficient to determine the role of this variant in disease. Therefore, it has been classified as a Variant of Uncertain Significance. Experimental studies and prediction algorithms are not available or were not evaluated, and the functional significance of this variant is currently unknown. This sequence change results in a frameshift in the TNFRSF13B gene (p.Ile281Leufs*43). While this is not anticipated to result in nonsense mediated decay, it is expected to disrupt the last 13 amino acid(s) of the TNFRSF13B protein and extend the protein by 29 additional amino acid residues. This variant is present in population databases (no rsID available, gnomAD no frequency). This variant has not been reported in the literature in individuals affected with TNFRSF13B-related conditions. ClinVar contains an entry for this variant (Variation ID: 2148657).